The following is an entry in ClinVar:

NM_004333.6(BRAF):c.1271G>A (p.Arg424Gln)

Gene: BRAF (B-Raf proto-oncogene, serine/threonine kinase; minus strand). Cytogenetic location: 7q34.
Variant type: single nucleotide variant.
Coding change: c.1271G>A on transcript NM_004333.6 (MANE Select); coding-DNA position 1271, G replaced by A.
Protein change: p.Arg424Gln; replaces arginine 424 with glutamine.
Molecular consequence: missense variant.
Genome position (GRCh38, 1-based): chr7:140,783,064, C>T on the plus strand (G>A on the coding strand, the complement: BRAF is on the minus strand). VCF-style: chr7-140783064-C-T. GRCh37 (hg19) VCF-style: chr7-140482864-C-T.
Other names: c.1271G>A, p.Arg424Gln (NM_001354609.2, NM_001378468.1, NM_001378474.1); c.1391G>A, p.Arg464Gln (NM_001374244.1, NM_001374258.1); c.1280G>A, p.Arg427Gln (NM_001378467.1); c.1205G>A, p.Arg402Gln (NM_001378469.1); c.1169G>A, p.Arg390Gln (NM_001378470.1); c.1160G>A, p.Arg387Gln (NM_001378471.1); c.1115G>A, p.Arg372Gln (NM_001378472.1, NM_001378473.1); c.1007G>A, p.Arg336Gln (NM_001378475.1); short protein forms R336Q, R372Q, R387Q, R390Q, R402Q, R424Q, R427Q, R464Q.
Identifiers: ClinVar variation 3359275 (VCV003359275.3).

ClinVar aggregate classification (germline): Uncertain significance. Review status: criteria provided, multiple submitters, no conflicts (2 of 4 stars). 2 submissions from 2 submitters: Uncertain significance (2). Last evaluated 2025-01-27.

Conditions:
RASopathy. Also called: rasopathies; Noonan spectrum disorder. Identifiers: Orphanet 536391, MedGen C5555857, MONDO:0021060.

gnomAD v4.1: 21 of 1,613,876 alleles (0.0013%); highest among the groups gnomAD compares: South Asian, 0.02%; no homozygotes.

Submissions (2):

Labcorp Genetics (formerly Invitae), Labcorp
Classification: Uncertain significance for RASopathy. Last evaluated: 2025-01-27. Review status: criteria provided, single submitter. Criteria: Invitae Variant Classification Sherloc (09022015). Collection method: clinical testing. Allele origin: germline.
Comment: This sequence change replaces arginine, which is basic and polar, with glutamine, which is neutral and polar, at codon 424 of the BRAF protein (p.Arg424Gln). The frequency data for this variant in the population databases is considered unreliable, as metrics indicate poor data quality at this position in the gnomAD database. This variant has not been reported in the literature in individuals affected with BRAF-related conditions. ClinVar contains an entry for this variant (Variation ID: 3359275). Invitae Evidence Modeling of protein sequence and biophysical properties (such as structural, functional, and spatial information, amino acid conservation, physicochemical variation, residue mobility, and thermodynamic stability) indicates that this missense variant is not expected to disrupt BRAF protein function with a negative predictive value of 80%. In summary, the available evidence is currently insufficient to determine the role of this variant in disease. Therefore, it has been classified as a Variant of Uncertain Significance.

GeneDx
Classification: Uncertain significance. Last evaluated: 2023-06-12. Review status: criteria provided, single submitter. Criteria: GeneDx Variant Classification Process June 2021. Collection method: clinical testing. Allele origin: germline. Affected: yes.
Comment: Missense variants in this gene are often considered pathogenic (HGMD); In silico analysis supports that this missense variant does not alter protein structure/function; Has not been previously published as pathogenic or benign to our knowledge